The following is an entry in ClinVar:

ClinVar aggregate classification (germline): Uncertain significance (1 of 4 stars; one submission).

Conditions:
Charcot-Marie-Tooth disease type 4. Also called: Charcot-Marie-Tooth disease, type IV; Charcot-Marie-Tooth, Type 4. Identifiers: Orphanet 64749, MedGen C4082197, MONDO:0018995.

Allele frequency attached by ClinVar (database versions not stated): TOPMed below 0.00001; gnomAD 0.00001.

Submission:

Labcorp Genetics (formerly Invitae), Labcorp
Classification: Uncertain significance for Charcot-Marie-Tooth disease type 4. Last evaluated: 2022-07-30. Review status: criteria provided, single submitter. Criteria: Invitae Variant Classification Sherloc (09022015). Collection method: clinical testing. Allele origin: germline.
Comment: This sequence change falls in intron 1 of the MTMR2 gene. It does not directly change the encoded amino acid sequence of the MTMR2 protein. It affects a nucleotide within the consensus splice site. The frequency data for this variant in the population databases is considered unreliable, as metrics indicate poor data quality at this position in the gnomAD database. This variant has not been reported in the literature in individuals affected with MTMR2-related conditions. Variants that disrupt the consensus splice site are a relatively common cause of aberrant splicing (PMID: 17576681, 9536098). Algorithms developed to predict the effect of sequence changes on RNA splicing suggest that this variant is not likely to affect RNA splicing. In summary, the available evidence is currently insufficient to determine the role of this variant in disease. Therefore, it has been classified as a Variant of Uncertain Significance.

Literature cited by the submitters: PubMed 17576681; PubMed 9536098.

NM_016156.6(MTMR2):c.80+6C>T

Gene: MTMR2 (myotubularin related protein 2; minus strand). Cytogenetic location: 11q21.
Variant type: single nucleotide variant.
Coding change: c.80+6C>T on transcript NM_016156.6 (MANE Select); 6 bases into the intron after coding-DNA position 80, C replaced by T.
Molecular consequence: intron variant.
Genome position (GRCh38, 1-based): chr11:95,923,869, G>A on the plus strand (C>T on the coding strand, the complement: MTMR2 is on the minus strand). VCF-style: chr11-95923869-G-A. GRCh37 (hg19) VCF-style: chr11-95657033-G-A.
Other names: c.-208+6C>T (NM_201281.3); c.-331+6C>T (NM_201278.3); c.-404+6C>T (NM_001243571.2).
Identifiers: ClinVar variation 2181871 (VCV002181871.1), dbSNP rs1467962260, ClinGen allele CA600874734.